The following is an entry in ClinVar:

ClinVar aggregate classification (germline): Uncertain significance (1 of 4 stars; one submission).

Conditions:
Hypertrophic cardiomyopathy 26. Also called: Cardiomyopathy, familial hypertrophic, 26. Identifiers: Orphanet 75249, MedGen C4310749, MONDO:0014883, OMIM 617047.
Myofibrillar myopathy 5. Also called: Filaminopathy (type); FILAMINOPATHY, AUTOSOMAL DOMINANT. Identifiers: Orphanet 171445, MedGen C1836050, MONDO:0012289, OMIM 609524.
Distal myopathy with posterior leg and anterior hand involvement. Also called: WILLIAMS DISTAL MYOPATHY. Identifiers: Orphanet 63273, MedGen C3279722, MONDO:0013550, OMIM 614065.

Submission:

Labcorp Genetics (formerly Invitae), Labcorp
Classification: Uncertain significance for Distal myopathy with posterior leg and anterior hand involvement; Myofibrillar myopathy 5; Hypertrophic cardiomyopathy 26. Last evaluated: 2025-07-20. Review status: criteria provided, single submitter. Criteria: Invitae Variant Classification Sherloc (09022015). Collection method: clinical testing. Allele origin: germline.
Comment: This sequence change replaces asparagine, which is neutral and polar, with tyrosine, which is neutral and polar, at codon 1998 of the FLNC protein (p.Asn1998Tyr). This variant is not present in population databases (gnomAD no frequency). This variant has not been reported in the literature in individuals affected with FLNC-related conditions. Invitae Evidence Modeling of protein sequence and biophysical properties (such as structural, functional, and spatial information, amino acid conservation, physicochemical variation, residue mobility, and thermodynamic stability) has been performed for this missense variant. However, the output from this modeling did not meet the statistical confidence thresholds required to predict the impact of this variant on FLNC protein function. In summary, the available evidence is currently insufficient to determine the role of this variant in disease. Therefore, it has been classified as a Variant of Uncertain Significance.

NM_001458.5(FLNC):c.5992A>T (p.Asn1998Tyr)

Genes: FLNC-AS1 (FLNC antisense RNA 1; minus strand), FLNC (filamin C; plus strand). Cytogenetic location: 7q32.1.
Variant type: single nucleotide variant.
Coding change: c.5992A>T on transcript NM_001458.5 (MANE Select); coding-DNA position 5992, A replaced by T.
Protein change: p.Asn1998Tyr; replaces asparagine 1998 with tyrosine.
Molecular consequence: missense variant.
Genome position (GRCh38, 1-based): chr7:128,852,740, A>T. VCF-style: chr7-128852740-A-T. GRCh37 (hg19) VCF-style: chr7-128492794-A-T.
Other names: c.5893A>T, p.Asn1965Tyr (NM_001127487.2); short protein forms N1965Y, N1998Y.
Identifiers: ClinVar variation 4812432 (VCV004812432.1).